The following is an entry in ClinVar:

ClinVar aggregate classification (germline): Uncertain significance (1 of 4 stars; one submission).

gnomAD v4.1: 20 of 1,614,190 alleles (0.0012%); highest among the groups gnomAD compares: Admixed American, 0.028%; no homozygotes.

Submission:

Labcorp Genetics (formerly Invitae), Labcorp
Classification: Uncertain significance. Last evaluated: 2025-10-11. Review status: criteria provided, single submitter. Criteria: Invitae Variant Classification Sherloc (09022015). Collection method: clinical testing. Allele origin: germline.
Comment: This sequence change replaces aspartic acid, which is acidic and polar, with glycine, which is neutral and non-polar, at codon 50 of the KANK1 protein (p.Asp50Gly). This variant is present in population databases (rs61737971, gnomAD 0.05%). This variant has not been reported in the literature in individuals affected with KANK1-related conditions. ClinVar contains an entry for this variant (Variation ID: 1986118). An algorithm developed to predict the effect of missense changes on protein structure and function (PolyPhen-2) suggests that this variant is likely to be disruptive. In summary, the available evidence is currently insufficient to determine the role of this variant in disease. Therefore, it has been classified as a Variant of Uncertain Significance.

NM_015158.5(KANK1):c.149A>G (p.Asp50Gly)

Gene: KANK1 (KN motif and ankyrin repeat domains 1; plus strand). Cytogenetic location: 9p24.3.
Variant type: single nucleotide variant.
Coding change: c.149A>G on transcript NM_015158.5 (MANE Select); coding-DNA position 149, A replaced by G.
Protein change: p.Asp50Gly; replaces aspartic acid 50 with glycine.
Molecular consequence: missense variant. On other transcripts: 5 prime UTR variant (12), non-coding transcript variant (1).
Genome position (GRCh38, 1-based): chr9:710,915, A>G. VCF-style: chr9-710915-A-G. GRCh37 (hg19) VCF-style: chr9-710915-A-G.
Other names: c.149A>G, p.Asp50Gly (NM_001256876.3, NM_001256877.3, NM_001354331.2 and 2 more transcripts); c.-326A>G (NM_001354333.2, NM_001354335.2, NM_001354336.2 and 9 more transcripts); short protein forms D50G.
Identifiers: ClinVar variation 1986118 (VCV001986118.4), dbSNP rs61737971, ClinGen allele CA4959858.